The following is an entry in ClinVar:

ClinVar aggregate classification (germline): Likely benign. Review status: criteria provided, multiple submitters, no conflicts (2 of 4 stars). 2 submissions from 2 submitters: Likely benign (2). Last evaluated 2025-06-30.

Conditions:
Ehlers-Danlos syndrome, dermatosparaxis type. Also called: Ehlers-Danlos syndrome, type VII, autosomal recessive; Dermatosparaxis; EDS VIIC. Identifiers: Orphanet 1901, MedGen C2700425, MONDO:0009161, OMIM 225410.

Allele frequency attached by ClinVar (database versions not stated): gnomAD exomes below 0.00001; TOPMed below 0.00001; gnomAD 0.00001.
gnomAD v4.1: 2 of 1,613,854 alleles (0.00012%); highest among the groups gnomAD compares: Non-Finnish European, 0.00017%; no homozygotes.

Submissions (2):

Mayo Clinic Laboratories, Mayo Clinic
Classification: Likely benign. Last evaluated: 2025-06-30. Review status: criteria provided, single submitter. Criteria: ACMG Guidelines, 2015. Collection method: clinical testing. Allele origin: germline. Observed: 1 variant allele.
Comment: BP4, BP7, PM2_supporting

Labcorp Genetics (formerly Invitae), Labcorp
Classification: Likely benign for Ehlers-Danlos syndrome, dermatosparaxis type. Last evaluated: 2022-02-11. Review status: criteria provided, single submitter. Criteria: Invitae Variant Classification Sherloc (09022015). Collection method: clinical testing. Allele origin: germline.

NM_014244.5(ADAMTS2):c.2436C>T (p.Leu812=)

Gene: ADAMTS2 (ADAM metallopeptidase with thrombospondin type 1 motif 2; minus strand). Cytogenetic location: 5q35.3.
Variant type: single nucleotide variant.
Coding change: c.2436C>T on transcript NM_014244.5 (MANE Select); coding-DNA position 2436, C replaced by T.
Protein change: p.Leu812=; no amino-acid change (leucine 812 retained).
Molecular consequence: synonymous variant.
Genome position (GRCh38, 1-based): chr5:179,129,953, G>A on the plus strand (C>T on the coding strand, the complement: ADAMTS2 is on the minus strand). VCF-style: chr5-179129953-G-A. GRCh37 (hg19) VCF-style: chr5-178556954-G-A.
Other names: p.Leu812=.
Identifiers: ClinVar variation 1144591 (VCV001144591.10), dbSNP rs1762929607, ClinGen allele CA448034247.